The following is an entry in ClinVar:

NM_001384140.1(PCDH15):c.4672-10_4672-8dup

Gene: PCDH15 (protocadherin related 15; minus strand). Cytogenetic location: 10q21.1.
Variant type: Duplication.
Coding change: c.4672-10_4672-8dup on transcript NM_001384140.1 (MANE Select); 10 bases into the intron before coding-DNA position 4672 through 8 bases into the intron before coding-DNA position 4672, 3 bases duplicated (ATT; older notation c.4672-10_4672-8dupATT).
Molecular consequence: intron variant.
Genome position (GRCh38, 1-based): chr10:53,807,138-53,807,140, AAT duplicated on the plus strand (ATT on the coding strand, the reverse complement: PCDH15 is on the minus strand); duplicating any 3 consecutive bases within chr10:53,807,138-53,807,142 gives the same sequence; the c. name uses the placement nearest the transcript's 3' end. VCF-style (leftmost placement, unchanged base first): chr10-53807137-A-AAAT. GRCh37 (hg19) VCF-style: chr10-55566897-A-AAAT.
Other names: c.4477-10_4477-8dup (NM_001354420.2); c.4606-10_4606-8dup (NM_001354429.2); c.4483-10_4483-8dup (NM_001142772.2); c.4498-10_4498-8dup (NM_001142771.2).
Identifiers: ClinVar variation 4989951 (VCV004989951.1).
Genomic context (GRCh38, chr10:53,807,137, plus strand): 5'-GCTGGTTTCATACTCTCGATCAACAACTAACTTGATCATTCTTTTTCTTGCCCACTGATA[A>AAAT]AATAAACAAAAATATGTGAGTCACTATCAAATAAATTAAAAAGGCAATGATTACATTGCC-3'

ClinVar aggregate classification (germline): Likely benign (1 of 4 stars; one submission).

Conditions:
PCDH15-related disorder. Also called: PCDH15-related disorders; PCDH15-related condition.

Submission:

PreventionGenetics, part of Exact Sciences
Classification: Likely benign for PCDH15-related condition. Last evaluated: 2025-03-20. Review status: criteria provided, single submitter. Criteria: ACMG Guidelines, 2015. Collection method: clinical testing. Allele origin: germline.
Comment: This variant is classified as likely benign based on ACMG/AMP sequence variant interpretation guidelines (Richards et al. 2015 PMID: 25741868, with internal and published modifications).